The following is an entry in ClinVar:

ClinVar aggregate classification (germline): Benign/Likely benign. Review status: criteria provided, multiple submitters, no conflicts (2 of 4 stars). 15 submissions from 15 submitters: Benign (4); Likely benign (10). 1 of the submissions does not count toward it. Last evaluated 2026-01-23.

Conditions:
Hereditary cancer-predisposing syndrome. Also called: Hereditary Cancer Syndrome; Hereditary neoplastic syndrome; Neoplastic Syndromes, Hereditary; Tumor predisposition. Identifiers: Orphanet 140162, MedGen C0027672, MeSH D009386, MONDO:0015356.
Breast-ovarian cancer, familial, susceptibility to, 2 (BROVCA2). Also called: BRCA2 Hereditary Breast and Ovarian Cancer. Identifiers: Orphanet 145, MedGen C2675520, MONDO:0012933, OMIM 612555. Disease mechanism: loss of function.
Hereditary breast ovarian cancer syndrome. Also called: Hereditary breast and ovarian cancer; Hereditary breast and ovarian cancer syndrome (HBOC); Hereditary breast and/or ovarian cancer syndrome; Breast and ovarian cancer; BRCA1- and BRCA2-Associated Hereditary Breast and Ovarian Cancer; Hereditary breast and ovarian cancer syndrome. Identifiers: Orphanet 145, MedGen C0677776, MeSH D061325, MONDO:0003582. Disease mechanism: loss of function.
Breast and/or ovarian cancer. Identifiers: MedGen CN221562.

Allele frequency attached by ClinVar (database versions not stated): gnomAD exomes 0.00018 and 0.00048; ExAC 0.00073; gnomAD 0.00192 and 0.00208; TOPMed 0.00214; 1000 Genomes Project 30x 0.00219; 1000 Genomes Project 0.00240.
gnomAD v4.1: 564 of 1,611,872 alleles (0.035%); highest among the groups gnomAD compares: African/African-American, 0.68%; 3 homozygotes.

Submissions (15):

Labcorp Genetics (formerly Invitae), Labcorp
Classification: Benign for Hereditary breast ovarian cancer syndrome. Last evaluated: 2026-01-23. Review status: criteria provided, single submitter. Criteria: Invitae Variant Classification Sherloc (09022015). Collection method: clinical testing. Allele origin: germline.

Dasa
Classification: Likely benign for Breast-ovarian cancer, familial, susceptibility to, 2. Last evaluated: 2025-12-02. Review status: criteria provided, single submitter. Criteria: DASA Assertion Criteria. Collection method: clinical testing. Allele origin: germline.
Comment: NM_000059.4(BRCA2):c.2926T>A (p.Ser976Thr) is a missense variant that results in the substitution of serine with threonine. Population frequency is inconsistent with a disease-causing role for this variant, and observations in unaffected individuals support a benign interpretation. Therefore, based on the currently available evidence, this variant is classified as likely benign.

ARUP Laboratories, Molecular Genetics and Genomics, ARUP Laboratories
Classification: Likely benign. Last evaluated: 2024-09-13. Review status: criteria provided, single submitter. Criteria: ARUP Molecular Germline Variant Investigation Process 2024. Collection method: clinical testing. Allele origin: germline.

Blueprint Genetics
Classification: Likely benign. Last evaluated: 2023-12-14. Review status: criteria provided, single submitter. Criteria: ACMG Guidelines, 2015. Collection method: clinical testing. Allele origin: germline.

Institute for Biomarker Research, Medical Diagnostic Laboratories, L.L.C.
Classification: Benign for Hereditary breast ovarian cancer syndrome. Last evaluated: 2022-09-27. Review status: criteria provided, single submitter. Criteria: ACMG Guidelines, 2015. Collection method: clinical testing. Allele origin: germline.

Genetics Program, Instituto Nacional de Cancer
Classification: Likely benign for Hereditary breast ovarian cancer syndrome. Last evaluated: 2021-11-01. Review status: criteria provided, single submitter. Criteria: ACMG Guidelines, 2015. Collection method: research. Allele origin: germline. Affected: yes.

CHEO Genetics Diagnostic Laboratory, Children's Hospital of Eastern Ontario
Classification: Likely benign for Breast and/or ovarian cancer. Last evaluated: 2021-06-30. Review status: criteria provided, single submitter. Criteria: ACMG Guidelines, 2015. Collection method: clinical testing. Allele origin: germline.

Sema4
Classification: Benign for Hereditary cancer-predisposing syndrome. Last evaluated: 2020-11-28. Review status: criteria provided, single submitter. Criteria: Sema4 Curation Guidelines. Collection method: curation. Allele origin: germline.

Mendelics
Classification: Likely benign for Breast-ovarian cancer, familial, susceptibility to, 2. Last evaluated: 2019-05-28. Review status: criteria provided, single submitter. Criteria: Mendelics Assertion Criteria 2017. Collection method: clinical testing. Allele origin: unknown.

Ambry Genetics
Classification: Likely benign for Hereditary cancer-predisposing syndrome. Last evaluated: 2018-06-22. Review status: criteria provided, single submitter. Criteria: Ambry Variant Classification Scheme 2023. Collection method: clinical testing. Allele origin: germline.

Genome Diagnostics Laboratory, University Medical Center Utrecht
Classification: Likely benign for Breast-ovarian cancer, familial, susceptibility to, 2. Last evaluated: 2017-07-28. Review status: criteria provided, single submitter. Criteria: ACGS Guidelines, 2013. Collection method: clinical testing. Allele origin: germline. Affected: yes. Study: VKGL Data-share Consensus.

Genetic Services Laboratory, University of Chicago
Classification: Likely benign. Last evaluated: 2017-02-07. Review status: criteria provided, single submitter. Criteria: ACMG Guidelines, 2015. Collection method: clinical testing. Allele origin: germline. Affected: no.

Color Diagnostics, LLC DBA Color Health
Classification: Benign for Hereditary cancer-predisposing syndrome. Last evaluated: 2015-09-23. Review status: criteria provided, single submitter. Criteria: ACMG Guidelines, 2015. Collection method: clinical testing. Allele origin: germline.

Breakthrough Genomics
Classification: Likely benign. Review status: criteria provided, single submitter. Criteria: ACMG Guidelines, 2015. Collection method: not provided. Allele origin: germline. Inheritance: Autosomal recessive inheritance. Affected: yes.

Clinical Genetics Laboratory, Department of Pathology, Netherlands Cancer Institute
Classification: Likely benign. Review status: no assertion criteria provided. Collection method: clinical testing. Allele origin: germline. Affected: yes. Study: VKGL Data-share Consensus. Not counted in ClinVar's aggregate classification.

Literature cited by the submitters: PubMed 36329109 (cited by Genetics Program, Instituto Nacional de Cancer).

NM_000059.4(BRCA2):c.2926T>A (p.Ser976Thr)

Gene: BRCA2 (BRCA2 DNA repair associated; plus strand). Cytogenetic location: 13q13.1.
Variant type: single nucleotide variant.
Coding change: c.2926T>A on transcript NM_000059.4 (MANE Select); coding-DNA position 2926, T replaced by A.
Protein change: p.Ser976Thr; replaces serine 976 with threonine.
Molecular consequence: missense variant.
Genome position (GRCh38, 1-based): chr13:32,337,281, T>A. VCF-style: chr13-32337281-T-A. GRCh37 (hg19) VCF-style: chr13-32911418-T-A.
Other names: short protein forms S976T.
Identifiers: ClinVar variation 434527 (VCV000434527.55), dbSNP rs144862123, ClinGen allele CA6940642.